The following is an entry in ClinVar:

NM_000127.3(EXT1):c.1883A>G (p.Lys628Arg)

Gene: EXT1 (exostosin glycosyltransferase 1; minus strand). Cytogenetic location: 8q24.11.
Variant type: single nucleotide variant.
Coding change: c.1883A>G on transcript NM_000127.3 (MANE Select); coding-DNA position 1883, A replaced by G.
Protein change: p.Lys628Arg; replaces lysine 628 with arginine.
Molecular consequence: missense variant.
Genome position (GRCh38, 1-based): chr8:117,807,217, T>C on the plus strand (A>G on the coding strand, the complement: EXT1 is on the minus strand). VCF-style: chr8-117807217-T-C. GRCh37 (hg19) VCF-style: chr8-118819456-T-C.
Other names: short protein forms K628R.
Identifiers: ClinVar variation 2980414 (VCV002980414.3), dbSNP rs1251059183, ClinGen allele CA371877863.

ClinVar aggregate classification (germline): Uncertain significance (1 of 4 stars; one submission).

Conditions:
Multiple congenital exostosis (EXT). Also called: Multiple osteochondromas; Hereditary multiple osteochondromas; Hereditary multiple exostoses; Hereditary multiple exostosis; Multiple exostoses; MULTIPLE CARTILAGINOUS EXOSTOSES. Identifiers: Orphanet 321, MedGen C0015306, MONDO:0005508, HP:0002762.

Allele frequency attached by ClinVar (database versions not stated): gnomAD exomes below 0.00001; TOPMed 0.00001; gnomAD 0.00003.
gnomAD v4.1: 7 of 1,614,084 alleles (0.00043%); highest among the groups gnomAD compares: African/African-American, 0.004%; no homozygotes.

Submission:

Labcorp Genetics (formerly Invitae), Labcorp
Classification: Uncertain significance for Multiple congenital exostosis. Last evaluated: 2022-11-10. Review status: criteria provided, single submitter. Criteria: Invitae Variant Classification Sherloc (09022015). Collection method: clinical testing. Allele origin: germline.
Comment: This sequence change replaces lysine, which is basic and polar, with arginine, which is basic and polar, at codon 628 of the EXT1 protein (p.Lys628Arg). This variant is present in population databases (no rsID available, gnomAD 0.01%). This variant has not been reported in the literature in individuals affected with EXT1-related conditions. Algorithms developed to predict the effect of missense changes on protein structure and function (SIFT, PolyPhen-2, Align-GVGD) all suggest that this variant is likely to be tolerated. In summary, the available evidence is currently insufficient to determine the role of this variant in disease. Therefore, it has been classified as a Variant of Uncertain Significance.